The following is an entry in ClinVar:

NM_031471.6(FERMT3):c.1889A>G (p.Tyr630Cys)

Gene: FERMT3 (FERM domain containing kindlin 3; plus strand). Cytogenetic location: 11q13.1.
Variant type: single nucleotide variant.
Coding change: c.1889A>G on transcript NM_031471.6 (MANE Select); coding-DNA position 1889, A replaced by G.
Protein change: p.Tyr630Cys; replaces tyrosine 630 with cysteine.
Molecular consequence: missense variant.
Genome position (GRCh38, 1-based): chr11:64,223,389, A>G. VCF-style: chr11-64223389-A-G. GRCh37 (hg19) VCF-style: chr11-63990861-A-G.
Other names: c.1889A>G, p.Tyr630Cys (NM_001382361.1, NM_001382448.1); c.1901A>G, p.Tyr634Cys (NM_001382362.1, NM_178443.3); c.1349A>G, p.Tyr450Cys (NM_001382363.1); c.1361A>G, p.Tyr454Cys (NM_001382364.1); short protein forms Y630C, Y454C, Y450C, Y634C.
Identifiers: ClinVar variation 2139484 (VCV002139484.2), dbSNP rs1396214789, ClinGen allele CA381090659.

ClinVar aggregate classification (germline): Uncertain significance (1 of 4 stars; one submission).

Conditions:
Leukocyte adhesion deficiency 3. Also called: INTEGRIN ACTIVATION DEFICIENCY DISEASE; LEUKOCYTE ADHESION DEFICIENCY 1 VARIANT; Leukocyte adhesion deficiency, type III. Identifiers: Orphanet 2968, Orphanet 99844, MedGen C2748536, MONDO:0013016, OMIM 612840.

Allele frequency attached by ClinVar (database versions not stated): gnomAD exomes below 0.00001; TOPMed below 0.00001; gnomAD 0.00001.
gnomAD v4.1: 4 of 1,613,884 alleles (0.00025%); highest among the groups gnomAD compares: Non-Finnish European, 0.00025%; no homozygotes.

Submission:

Labcorp Genetics (formerly Invitae), Labcorp
Classification: Uncertain significance for Leukocyte adhesion deficiency 3. Last evaluated: 2022-05-20. Review status: criteria provided, single submitter. Criteria: Invitae Variant Classification Sherloc (09022015). Collection method: clinical testing. Allele origin: germline.
Comment: In summary, the available evidence is currently insufficient to determine the role of this variant in disease. Therefore, it has been classified as a Variant of Uncertain Significance. Algorithms developed to predict the effect of missense changes on protein structure and function are either unavailable or do not agree on the potential impact of this missense change (SIFT: "Deleterious"; PolyPhen-2: "Benign"; Align-GVGD: "Class C0"). This variant has not been reported in the literature in individuals affected with FERMT3-related conditions. This variant is not present in population databases (gnomAD no frequency). This sequence change replaces tyrosine, which is neutral and polar, with cysteine, which is neutral and slightly polar, at codon 630 of the FERMT3 protein (p.Tyr630Cys).